The following is an entry in ClinVar:

ClinVar aggregate classification (germline): Uncertain significance (1 of 4 stars; one submission).

Conditions:
Perlman syndrome (PRLMNS). Identifiers: Orphanet 2849, MedGen C0796113, MONDO:0009965, OMIM 267000.

Allele frequency attached by ClinVar (database versions not stated): gnomAD exomes below 0.00001; TOPMed below 0.00001.
gnomAD v4.1: 8 of 1,613,936 alleles (0.0005%); highest among the groups gnomAD compares: African/African-American, 0.0053%; no homozygotes.

Submission:

Labcorp Genetics (formerly Invitae), Labcorp
Classification: Uncertain significance for Perlman syndrome. Last evaluated: 2025-04-28. Review status: criteria provided, single submitter. Criteria: Invitae Variant Classification Sherloc (09022015). Collection method: clinical testing. Allele origin: germline.
Comment: This sequence change replaces methionine, which is neutral and non-polar, with leucine, which is neutral and non-polar, at codon 443 of the DIS3L2 protein (p.Met443Leu). This variant is not present in population databases (gnomAD no frequency). This variant has not been reported in the literature in individuals affected with DIS3L2-related conditions. ClinVar contains an entry for this variant (Variation ID: 947368). Invitae Evidence Modeling of protein sequence and biophysical properties (such as structural, functional, and spatial information, amino acid conservation, physicochemical variation, residue mobility, and thermodynamic stability) has been performed for this missense variant. However, the output from this modeling did not meet the statistical confidence thresholds required to predict the impact of this variant on DIS3L2 protein function. In summary, the available evidence is currently insufficient to determine the role of this variant in disease. Therefore, it has been classified as a Variant of Uncertain Significance.

NM_152383.5(DIS3L2):c.1327A>T (p.Met443Leu)

Gene: DIS3L2 (DIS3 like 3'-5' exoribonuclease 2; plus strand). Cytogenetic location: 2q37.1.
Variant type: single nucleotide variant.
Coding change: c.1327A>T on transcript NM_152383.5 (MANE Select); coding-DNA position 1327, A replaced by T.
Protein change: p.Met443Leu; replaces methionine 443 with leucine.
Molecular consequence: missense variant. On other transcripts: non-coding transcript variant (2).
Genome position (GRCh38, 1-based): chr2:232,249,248, A>T. VCF-style: chr2-232249248-A-T. GRCh37 (hg19) VCF-style: chr2-233113958-A-T.
Other names: c.1327A>T, p.Met443Leu (NM_001257281.2); short protein forms M443L.
Identifiers: ClinVar variation 947368 (VCV000947368.7), dbSNP rs564953594, ClinGen allele CA67523426.